The following is an entry in ClinVar:

ClinVar aggregate classification (germline): Likely pathogenic (1 of 4 stars; one submission).

Conditions:
Diffuse lymphatic malformation. Identifiers: Orphanet 141209, MedGen C3839921, MONDO:0015408.

Allele frequency attached by ClinVar (database versions not stated): gnomAD exomes below 0.00001.
gnomAD v4.1: 5 of 1,549,884 alleles (0.00032%); highest among the groups gnomAD compares: Non-Finnish European, 0.00044%; no homozygotes.

Submission:

Laboratory for Molecular Medicine, Mass General Brigham Personalized Medicine
Classification: Likely pathogenic for Diffuse lymphatic malformation. Last evaluated: 2024-03-29. Review status: criteria provided, single submitter. Criteria: ACMG Guidelines, 2015. Collection method: clinical testing. Allele origin: germline.
Comment: The p.Tyr1680X variant in PIEZO1 has not been previously reported in individuals with generalized lymphatic dysplasia but has been identified in 0.0005% (5/1078764) of European chromosomes by gnomAD (v.4.0.0), consistent with a recessive carrier frequency. This nonsense variant leads to a premature termination codon at position 1680, which is predicted to lead to a truncated or absent protein. Biallelic loss of function of the PIEZO1 gene is an established disease mechanism in autosomal recessive generalized lymphatic dysplasia. In summary, although additional studies are required to fully establish its clinical significance, this variant meets criteria to be classified as likely pathogenic for autosomal recessive generalized lymphatic dysplasia with non-immune hydrops fetalis. ACMG/AMP Criteria applied: PVS1, PM2_Supporting.

NM_001142864.4(PIEZO1):c.5040C>A (p.Tyr1680Ter)

Gene: PIEZO1 (piezo type mechanosensitive ion channel component 1 (Er blood group); minus strand). Cytogenetic location: 16q24.3.
Variant type: single nucleotide variant.
Coding change: c.5040C>A on transcript NM_001142864.4 (MANE Select); coding-DNA position 5040, C replaced by A.
Protein change: p.Tyr1680Ter; replaces tyrosine 1680 with a stop codon.
Molecular consequence: nonsense.
Genome position (GRCh38, 1-based): chr16:88,721,982, G>T on the plus strand (C>A on the coding strand, the complement: PIEZO1 is on the minus strand). VCF-style: chr16-88721982-G-T. GRCh37 (hg19) VCF-style: chr16-88788390-G-T.
Other names: c.3582C>A, p.Tyr1194Ter (NM_014745.1); short protein forms Y1194*, Y1680*.
Identifiers: ClinVar variation 3075989 (VCV003075989.1), dbSNP rs2507853082, ClinGen allele CA397093609.